The following is an entry in ClinVar:

ClinVar aggregate classification (germline): Uncertain significance. Review status: criteria provided, multiple submitters, no conflicts (2 of 4 stars). 2 submissions from 2 submitters: Uncertain significance (2). Last evaluated 2024-11-13.

Submissions (2):

Revvity Omics, Revvity
Classification: Uncertain significance. Last evaluated: 2024-11-13. Review status: criteria provided, single submitter. Criteria: ACMG Guidelines, 2015. Collection method: clinical testing. Allele origin: germline.

Labcorp Genetics (formerly Invitae), Labcorp
Classification: Uncertain significance. Last evaluated: 2023-09-14. Review status: criteria provided, single submitter. Criteria: Invitae Variant Classification Sherloc (09022015). Collection method: clinical testing. Allele origin: germline.
Comment: This sequence change replaces alanine, which is neutral and non-polar, with proline, which is neutral and non-polar, at codon 237 of the SPTB protein (p.Ala237Pro). This variant is not present in population databases (gnomAD no frequency). This variant has not been reported in the literature in individuals affected with SPTB-related conditions. An algorithm developed to predict the effect of missense changes on protein structure and function (PolyPhen-2) suggests that this variant is likely to be disruptive. In summary, the available evidence is currently insufficient to determine the role of this variant in disease. Therefore, it has been classified as a Variant of Uncertain Significance.

NM_001355436.2(SPTB):c.709G>C (p.Ala237Pro)

Gene: SPTB (spectrin beta, erythrocytic; minus strand). Cytogenetic location: 14q23.3.
Variant type: single nucleotide variant.
Coding change: c.709G>C on transcript NM_001355436.2 (MANE Select); coding-DNA position 709, G replaced by C.
Protein change: p.Ala237Pro; replaces alanine 237 with proline.
Molecular consequence: missense variant.
Genome position (GRCh38, 1-based): chr14:64,801,339, C>G on the plus strand (G>C on the coding strand, the complement: SPTB is on the minus strand). VCF-style: chr14-64801339-C-G. GRCh37 (hg19) VCF-style: chr14-65268057-C-G.
Other names: c.709G>C, p.Ala237Pro (NM_001355437.2, NM_001024858.4); short protein forms A237P.
Identifiers: ClinVar variation 2760695 (VCV002760695.4), dbSNP rs540089964, ClinGen allele CA390030706.